The following is an entry in ClinVar:

ClinVar aggregate classification (germline): Benign (1 of 4 stars; one submission).

Submission:

GeneDx
Classification: Benign. Last evaluated: 2018-06-16. Review status: criteria provided, single submitter. Criteria: GeneDx Variant Classification (06012015). Collection method: clinical testing. Allele origin: germline. Affected: yes.
Comment: This variant is considered likely benign or benign based on one or more of the following criteria: it is a conservative change, it occurs at a poorly conserved position in the protein, it is predicted to be benign by multiple in silico algorithms, and/or has population frequency not consistent with disease.

NM_001244710.2(GFPT1):c.606-157dup

Gene: GFPT1 (glutamine--fructose-6-phosphate transaminase 1; minus strand). Cytogenetic location: 2p13.3.
Variant type: Duplication.
Coding change: c.606-157dup on transcript NM_001244710.2 (MANE Select); 157 bases into the intron before coding-DNA position 606, one base duplicated (T; older notation c.606-157dupT).
Molecular consequence: intron variant.
Genome position (GRCh38, 1-based): chr2:69,354,719, A duplicated on the plus strand (T on the coding strand, the reverse complement: GFPT1 is on the minus strand); the first of 7 consecutive A bases (chr2:69,354,719-69,354,725); duplicating any one gives the same sequence. VCF-style (leftmost placement, unchanged base first): chr2-69354718-T-TA. GRCh37 (hg19) VCF-style: chr2-69581850-T-TA.
Other names: c.606-157dup (NM_002056.4).
Identifiers: ClinVar variation 681307 (VCV000681307.1), dbSNP rs61401084, ClinGen allele CA49524989.